The following is an entry in ClinVar:

ClinVar aggregate classification (germline): Uncertain significance (0 of 4 stars; one submission).

Conditions:
WDR72-related disorder. Also called: WDR72-related condition.

gnomAD v4.1: 92 of 1,612,572 alleles (0.0057%); highest among the groups gnomAD compares: African/African-American, 0.1%; no homozygotes.

Submissions (2):

PreventionGenetics, part of Exact Sciences
Classification: Uncertain significance for WDR72-related condition. Last evaluated: 2023-11-30. Review status: no assertion criteria provided. Collection method: clinical testing. Allele origin: germline.
Comment: The WDR72 c.1766-14A>G variant is predicted to interfere with splicing. This variant is predicted to interfere with splicing based on available splicing prediction programs (SpliceAI, Jaganathan et al. 2019. PubMed ID: 30661751; Alamut Visual Plus v1.6.1). However, the use of computer prediction programs is not equivalent to functional evidence. To our knowledge, this variant has not been reported in the literature. This variant is reported in 0.10% of alleles in individuals of African descent in gnomAD. Although we suspect that this variant may be benign, at this time, the clinical significance of this variant is uncertain due to the absence of conclusive functional and genetic evidence.

Dr. Peter K. Rogan Lab, Western University
No classification provided (evidence only). Condition: Cervical cancer. Review status: no classification provided. Collection method: in vitro. Allele origin: not applicable. Functional consequence: retained intron. Not counted in ClinVar's aggregate classification.

NM_182758.4(WDR72):c.1766-14A>G

Gene: WDR72 (WD repeat domain 72; minus strand). Cytogenetic location: 15q21.3.
Variant type: single nucleotide variant.
Coding change: c.1766-14A>G on transcript NM_182758.4 (MANE Select); 14 bases into the intron before coding-DNA position 1766, A replaced by G.
Molecular consequence: intron variant.
Genome position (GRCh38, 1-based): chr15:53,665,782, T>C on the plus strand (A>G on the coding strand, the complement: WDR72 is on the minus strand). VCF-style: chr15-53665782-T-C. GRCh37 (hg19) VCF-style: chr15-53957979-T-C.
Other names: NC_000015.9:g.53957979T>C.
Identifiers: ClinVar variation 3356223 (VCV003356223.2).